The following is an entry in ClinVar:

ClinVar aggregate classification (germline): Uncertain significance. Review status: criteria provided, multiple submitters, no conflicts (2 of 4 stars). 3 submissions from 3 submitters: Uncertain significance (3). Last evaluated 2022-04-02.

Conditions:
Inborn genetic diseases. Identifiers: MedGen C0950123, MeSH D030342.

Allele frequency attached by ClinVar (database versions not stated): gnomAD 0.00002; TOPMed 0.00002; ExAC 0.00004; 1000 Genomes Project 0.00020.

Submissions (3):

Labcorp Genetics (formerly Invitae), Labcorp
Classification: Uncertain significance. Last evaluated: 2022-04-02. Review status: criteria provided, single submitter. Criteria: Invitae Variant Classification Sherloc (09022015). Collection method: clinical testing. Allele origin: germline.
Comment: This sequence change replaces asparagine, which is neutral and polar, with serine, which is neutral and polar, at codon 197 of the SGPL1 protein (p.Asn197Ser). This variant is present in population databases (rs532619672, gnomAD 0.01%). This variant has not been reported in the literature in individuals affected with SGPL1-related conditions. Algorithms developed to predict the effect of missense changes on protein structure and function output the following: SIFT: "Tolerated"; PolyPhen-2: "Benign"; Align-GVGD: "Class C0". The serine amino acid residue is found in multiple mammalian species, which suggests that this missense change does not adversely affect protein function. In summary, the available evidence is currently insufficient to determine the role of this variant in disease. Therefore, it has been classified as a Variant of Uncertain Significance.

Ambry Genetics
Classification: Uncertain significance for Inborn genetic diseases. Last evaluated: 2021-10-20. Review status: criteria provided, single submitter. Criteria: Ambry Variant Classification Scheme 2023. Collection method: clinical testing. Allele origin: germline.

Breakthrough Genomics
Classification: Uncertain significance. Review status: criteria provided, single submitter. Criteria: ACMG Guidelines, 2015. Collection method: not provided. Allele origin: germline. Inheritance: Autosomal recessive inheritance. Affected: yes.

NM_003901.4(SGPL1):c.590A>G (p.Asn197Ser)

Gene: SGPL1 (sphingosine-1-phosphate lyase 1; plus strand). Cytogenetic location: 10q22.1.
Variant type: single nucleotide variant.
Coding change: c.590A>G on transcript NM_003901.4 (MANE Select); coding-DNA position 590, A replaced by G.
Protein change: p.Asn197Ser; replaces asparagine 197 with serine.
Molecular consequence: missense variant.
Genome position (GRCh38, 1-based): chr10:70,859,474, A>G. VCF-style: chr10-70859474-A-G. GRCh37 (hg19) VCF-style: chr10-72619231-A-G.
Other names: short protein forms N197S.
Identifiers: ClinVar variation 1971070 (VCV001971070.4), dbSNP rs532619672, ClinGen allele CA5541220.